The following is an entry in ClinVar:

ClinVar aggregate classification (germline): Conflicting classifications of pathogenicity. Review status: criteria provided, conflicting classifications (1 of 4 stars). 7 submissions from 7 submitters: Uncertain significance (3); Likely benign (4). Last evaluated 2025-12-10.

Conditions:
Cardiovascular phenotype. Identifiers: MedGen CN230736.
Cardiomyopathy (CMYO). Also called: Cardiomyopathies. Identifiers: Orphanet 167848, MedGen C0878544, MONDO:0004994, HP:0001638. Inheritance: Various modes of inheritance.
Arrhythmogenic right ventricular dysplasia 10. Also called: Arrhythmogenic Right Ventricular Dysplasia/Cardiomyopathy10; ARRHYTHMOGENIC RIGHT VENTRICULAR DYSPLASIA, FAMILIAL, 10; Arrhythmogenic right ventricular dysplasia/cardiomyopathy, type 10. Identifiers: MedGen C1857777, MONDO:0012434, OMIM 610193.

Allele frequency attached by ClinVar (database versions not stated): gnomAD 0.00001 and 0.00003; TOPMed 0.00002; gnomAD exomes 0.00005 and 0.00010; ExAC 0.00007.
gnomAD v4.1: 88 of 1,613,766 alleles (0.0055%); highest among the groups gnomAD compares: Middle Eastern, 0.15%; no homozygotes.

Submissions (7):

Labcorp Genetics (formerly Invitae), Labcorp
Classification: Likely benign for Arrhythmogenic right ventricular dysplasia 10. Last evaluated: 2025-12-10. Review status: criteria provided, single submitter. Criteria: Invitae Variant Classification Sherloc (09022015). Collection method: clinical testing. Allele origin: germline.

Molecular Diagnostic Laboratory for Inherited Cardiovascular Disease, Montreal Heart Institute
Classification: Uncertain significance for Cardiovascular phenotype. Last evaluated: 2025-04-08. Review status: criteria provided, single submitter. Criteria: ACMG Guidelines, 2015. Collection method: clinical testing. Allele origin: germline. Affected: yes.

Ambry Genetics
Classification: Likely benign for Cardiovascular phenotype. Last evaluated: 2022-12-02. Review status: criteria provided, single submitter. Criteria: Ambry Variant Classification Scheme 2023. Collection method: clinical testing. Allele origin: germline.

Women's Health and Genetics/Laboratory Corporation of America, LabCorp
Classification: Likely benign. Last evaluated: 2022-11-07. Review status: criteria provided, single submitter. Criteria: LabCorp Variant Classification Summary - May 2015. Collection method: clinical testing. Allele origin: germline.
Comment: Variant summary: DSG2 c.269C>T (p.Thr90Ile) results in a non-conservative amino acid change located in the Cadherin-like domain of the encoded protein sequence. Three of five in-silico tools predict a damaging effect of the variant on protein function. The variant allele was found at a frequency of 0.0001 in 249224 control chromosomes, predominantly at a frequency of 0.00062 within the South Asian subpopulation in the gnomAD database. The observed variant frequency within South Asian control individuals in the gnomAD database is approximately 62 fold of the estimated maximal expected allele frequency for a pathogenic variant in DSG2 causing Arrhythmia phenotype (1e-05), strongly suggesting that the variant is a benign polymorphism found primarily in populations of South Asian origin. c.269C>T has been reported in the literature in at least one individual affected with Arrhythmia. This report does not provide unequivocal conclusions about association of the variant with Arrhythmia. To our knowledge, no experimental evidence demonstrating an impact on protein function has been reported. Five clinical diagnostic laboratories have submitted clinical-significance assessments for this variant to ClinVar after 2014 without evidence for independent evaluation (likely benign n=1, VUS n=4). Based on the evidence outlined above, the variant was classified as likely benign.

Color Diagnostics, LLC DBA Color Health
Classification: Likely benign for Cardiomyopathy. Last evaluated: 2022-04-07. Review status: criteria provided, single submitter. Criteria: ACMG Guidelines, 2015. Collection method: clinical testing. Allele origin: germline.

GeneDx
Classification: Uncertain significance. Last evaluated: 2020-01-22. Review status: criteria provided, single submitter. Criteria: GeneDx Variant Classification Process June 2021. Collection method: clinical testing. Allele origin: germline. Affected: yes.
Comment: Has not been previously published as pathogenic or benign to our knowledge; Reported as a variant of uncertain significance in ClinVar (ClinVar Variant ID# 326474; Landrum et al., 2016); In silico analysis, which includes protein predictors and evolutionary conservation, supports a deleterious effect

Illumina Laboratory Services, Illumina
Classification: Uncertain significance for Arrhythmogenic right ventricular dysplasia 10. Last evaluated: 2018-01-13. Review status: criteria provided, single submitter. Criteria: ICSL Variant Classification Criteria 13 December 2019. Collection method: clinical testing. Allele origin: germline.

Literature cited by the submitters: PubMed 35819174 (cited by Women's Health and Genetics/Laboratory Corporation of America, LabCorp).

NM_001943.5(DSG2):c.269C>T (p.Thr90Ile)

Gene: DSG2 (desmoglein 2; plus strand). Cytogenetic location: 18q12.1.
Variant type: single nucleotide variant.
Coding change: c.269C>T on transcript NM_001943.5 (MANE Select); coding-DNA position 269, C replaced by T.
Protein change: p.Thr90Ile; replaces threonine 90 with isoleucine.
Molecular consequence: missense variant.
Genome position (GRCh38, 1-based): chr18:31,520,855, C>T. VCF-style: chr18-31520855-C-T. GRCh37 (hg19) VCF-style: chr18-29100818-C-T.
Other names: c.269C>T (LRG_397t1); short protein forms T90I.
Identifiers: ClinVar variation 326474 (VCV000326474.29), dbSNP rs772744115, ClinGen allele CA046873.
Genomic context (GRCh38, chr18:31,520,855, plus strand): 5'-TATGTTAGATACATTCTGATCTTGCAGAAGAAAGAGGACTCAAAATTACTTACAAATACA[C>T]TGGAAAAGGGATTACAGAGCCACCTTTTGGTATATTTGTCTTTAACAAAGATACTGGAGA-3'
Protein context (NP_001934.2, residues 80-100): ERGLKITYKY[Thr90Ile]GKGITEPPFG